The following is an entry in ClinVar:

NM_001165963.4(SCN1A):c.1803C>T (p.Asn601=)

Gene: SCN1A (sodium voltage-gated channel alpha subunit 1; minus strand). Cytogenetic location: 2q24.3.
Variant type: single nucleotide variant.
Coding change: c.1803C>T on transcript NM_001165963.4 (MANE Select); coding-DNA position 1803, C replaced by T.
Protein change: p.Asn601=; no amino-acid change (asparagine 601 retained).
Molecular consequence: synonymous variant. On other transcripts: 5 prime UTR variant (1), non-coding transcript variant (1).
Genome position (GRCh38, 1-based): chr2:166,043,909, G>A on the plus strand (C>T on the coding strand, the complement: SCN1A is on the minus strand). VCF-style: chr2-166043909-G-A. GRCh37 (hg19) VCF-style: chr2-166900419-G-A.
Other names: c.1803C>T, p.Asn601= (NM_001165964.3, NM_001202435.3, NM_001353948.2 and 7 more transcripts); c.1800C>T, p.Asn600= (NM_001353954.2, NM_001353955.2, NM_001353960.2); c.-623C>T (NM_001353961.2).
Identifiers: ClinVar variation 530625 (VCV000530625.15), dbSNP rs139403702, ClinGen allele CA1943246.

ClinVar aggregate classification (germline): Conflicting classifications of pathogenicity. Review status: criteria provided, conflicting classifications (1 of 4 stars). 5 submissions from 4 submitters: Uncertain significance (2); Likely benign (3). Last evaluated 2026-01-27.

Conditions:
Generalized epilepsy with febrile seizures plus, type 2 (GEFSP2). Also called: GEFS+, TYPE 2. Identifiers: Orphanet 36387, MedGen C1858673, MONDO:0011461, OMIM 604403.
Severe myoclonic epilepsy in infancy (DRVT). Also called: Dravet syndrome; DEVELOPMENTAL AND EPILEPTIC ENCEPHALOPATHY 6A; Severe Myoclonic Epilepsy in Infancy (SMEI); Epileptic encephalopathy, early infantile, 6 (Dravet syndrome); SEVERE MYOCLONIC EPILEPSY OF INFANCY. Identifiers: Orphanet 33069, MedGen C0751122, MONDO:0100135, OMIM 607208.
Developmental and epileptic encephalopathy 6B. Also called: Developmental and epileptic encephalopathy 6B, non-Dravet. Identifiers: MedGen C5543353, MONDO:0030268, OMIM 619317.
Migraine, familial hemiplegic, 3. Identifiers: Orphanet 569, MedGen C1864987, MONDO:0012320, OMIM 609634.
Early-infantile DEE. Also called: Early infantile epileptic encephalopathy; Early infantile epileptic encephalopathy with suppression bursts; Ohtahara syndrome. Identifiers: Orphanet 1934, MedGen C0393706, MONDO:0800491.

Allele frequency attached by ClinVar (database versions not stated): ExAC 0.00002; gnomAD exomes 0.00003; gnomAD 0.00005 and 0.00006; TOPMed 0.00008; ESP Exome Variant Server 0.00023.
gnomAD v4.1: 28 of 1,613,938 alleles (0.0017%); highest among the groups gnomAD compares: African/African-American, 0.016%; no homozygotes.

Submissions (5):

Labcorp Genetics (formerly Invitae), Labcorp
Classification: Likely benign for Early-infantile DEE. Last evaluated: 2026-01-27. Review status: criteria provided, single submitter. Criteria: Invitae Variant Classification Sherloc (09022015). Collection method: clinical testing. Allele origin: germline.

Women's Health and Genetics/Laboratory Corporation of America, LabCorp
Classification: Likely benign. Last evaluated: 2024-06-10. Review status: criteria provided, single submitter. Criteria: LabCorp Variant Classification Summary - May 2015. Collection method: clinical testing. Allele origin: germline.

Center for Genomics, Ann and Robert H. Lurie Children's Hospital of Chicago
Classification: Uncertain significance for Developmental and epileptic encephalopathy 6B; Migraine, familial hemiplegic, 3; Severe myoclonic epilepsy in infancy; Generalized epilepsy with febrile seizures plus, type 2. Last evaluated: 2021-03-30. Review status: criteria provided, single submitter. Criteria: ACMG Guidelines, 2015. Collection method: clinical testing. Allele origin: germline.
Comment: SCN1A NM_001165963 exon 11 p.Asn601Asn (c.1803C>T): This variant has not been reported in the literature but is present in 4/15302 African alleles in the Genome Aggregation Database. Evolutionary conservation and computational predictive tools for this variant are limited or unavailable. Of note, this variant is a silent variant and does not change the amino acid, reducing the probability that this variant is disease causing. In summary, data on this variant is insufficient for disease classification. Therefore, the clinical significance of this variant is uncertain.

GeneDx
Classification: Likely benign. Last evaluated: 2020-04-27. Review status: criteria provided, single submitter. Criteria: GeneDx Variant Classification Process June 2021. Collection method: clinical testing. Allele origin: germline. Affected: yes.

Center for Genomics, Ann and Robert H. Lurie Children's Hospital of Chicago
Classification: Uncertain significance for Generalized epilepsy with febrile seizures plus, type 2; Severe myoclonic epilepsy in infancy; Migraine, familial hemiplegic, 3. Last evaluated: 2017-11-02. Review status: criteria provided, single submitter. Criteria: ACMG Guidelines, 2015. Collection method: clinical testing. Allele origin: germline.
Comment: SCN1A NM_001165963.1 exon 11 p.Asn601= (c.1803C>T): This variant has not been reported in the literature but is present in 4/15302 African alleles in the Genome Aggregation Database. Evolutionary conservation and computational predictive tools for this variant are limited or unavailable. Of note, this variant is a silent variant and does not change the amino acid, reducing the probability that this variant is disease causing. In summary, data on this variant is insufficient for disease classification. Therefore, the clinical significance of this variant is uncertain.